The following is an entry in ClinVar:

NM_006904.7(PRKDC):c.223A>G (p.Ser75Gly)

Gene: PRKDC (protein kinase, DNA-activated, catalytic subunit; minus strand). Cytogenetic location: 8q11.21.
Variant type: single nucleotide variant.
Coding change: c.223A>G on transcript NM_006904.7 (MANE Select); coding-DNA position 223, A replaced by G.
Protein change: p.Ser75Gly; replaces serine 75 with glycine.
Molecular consequence: missense variant.
Genome position (GRCh38, 1-based): chr8:47,957,363, T>C on the plus strand (A>G on the coding strand, the complement: PRKDC is on the minus strand). VCF-style: chr8-47957363-T-C. GRCh37 (hg19) VCF-style: chr8-48869923-T-C.
Other names: c.223A>G, p.Ser75Gly (NM_001081640.2); short protein forms S75G.
Identifiers: ClinVar variation 1058085 (VCV001058085.7), dbSNP rs1490477360, ClinGen allele CA371141418.

ClinVar aggregate classification (germline): Uncertain significance. Review status: criteria provided, multiple submitters, no conflicts (2 of 4 stars). 2 submissions from 2 submitters: Uncertain significance (2). Last evaluated 2021-06-21.

Conditions:
Severe combined immunodeficiency due to DNA-PKcs deficiency. Also called: IMMUNODEFICIENCY 26 WITH NEUROLOGIC ABNORMALITIES; Immunodeficiency 26 with or without neurologic abnormalities. Identifiers: Orphanet 317425, MedGen C4014833, MONDO:0014423, OMIM 615966.

Allele frequency attached by ClinVar (database versions not stated): gnomAD exomes below 0.00001; TOPMed 0.00001; gnomAD 0.00003.
gnomAD v4.1: 6 of 1,598,070 alleles (0.00038%); highest among the groups gnomAD compares: Non-Finnish European, 0.00043%; no homozygotes.

Submissions (2):

Ambry Genetics
Classification: Uncertain significance. Last evaluated: 2021-06-21. Review status: criteria provided, single submitter. Criteria: Ambry Variant Classification Scheme 2023. Collection method: clinical testing. Allele origin: germline.
Comment: The p.S75G variant (also known as c.223A>G), located in coding exon 2 of the PRKDC gene, results from an A to G substitution at nucleotide position 223. The serine at codon 75 is replaced by glycine, an amino acid with similar properties. This amino acid position is conserved. In addition, this alteration is predicted to be tolerated by in silico analysis. Since supporting evidence is limited at this time, the clinical significance of this alteration remains unclear.

Labcorp Genetics (formerly Invitae), Labcorp
Classification: Uncertain significance for Severe combined immunodeficiency due to DNA-PKcs deficiency. Last evaluated: 2020-08-23. Review status: criteria provided, single submitter. Criteria: Invitae Variant Classification Sherloc (09022015). Collection method: clinical testing. Allele origin: germline.
Comment: In summary, the available evidence is currently insufficient to determine the role of this variant in disease. Therefore, it has been classified as a Variant of Uncertain Significance. Experimental studies and prediction algorithms are not available or were not evaluated, and the functional significance of this variant is currently unknown. This variant has not been reported in the literature in individuals with PRKDC-related conditions. This variant is not present in population databases (ExAC no frequency). This sequence change replaces serine with glycine at codon 75 of the PRKDC protein (p.Ser75Gly). The serine residue is weakly conserved and there is a small physicochemical difference between serine and glycine.